The following is an entry in ClinVar:

NM_174916.3(UBR1):c.3074C>T (p.Ala1025Val)

Gene: UBR1 (ubiquitin protein ligase E3 component n-recognin 1; minus strand). Cytogenetic location: 15q15.2.
Variant type: single nucleotide variant.
Coding change: c.3074C>T on transcript NM_174916.3 (MANE Select); coding-DNA position 3074, C replaced by T.
Protein change: p.Ala1025Val; replaces alanine 1025 with valine.
Molecular consequence: missense variant.
Genome position (GRCh38, 1-based): chr15:43,015,823, G>A on the plus strand (C>T on the coding strand, the complement: UBR1 is on the minus strand). VCF-style: chr15-43015823-G-A. GRCh37 (hg19) VCF-style: chr15-43308021-G-A.
Other names: short protein forms A1025V.
Identifiers: ClinVar variation 2819308 (VCV002819308.3), dbSNP rs758431812, ClinGen allele CA7518254.

ClinVar aggregate classification (germline): Uncertain significance (1 of 4 stars; one submission).

Allele frequency attached by ClinVar (database versions not stated): gnomAD exomes below 0.00001; ExAC 0.00001.
gnomAD v4.1: 2 of 1,614,152 alleles (0.00012%); highest among the groups gnomAD compares: Non-Finnish European, 0.00017%; no homozygotes.

Submission:

Labcorp Genetics (formerly Invitae), Labcorp
Classification: Uncertain significance. Last evaluated: 2023-12-07. Review status: criteria provided, single submitter. Criteria: Invitae Variant Classification Sherloc (09022015). Collection method: clinical testing. Allele origin: germline.
Comment: This sequence change replaces alanine, which is neutral and non-polar, with valine, which is neutral and non-polar, at codon 1025 of the UBR1 protein (p.Ala1025Val). This variant is present in population databases (rs758431812, gnomAD 0.002%). This variant has not been reported in the literature in individuals affected with UBR1-related conditions. Advanced modeling of protein sequence and biophysical properties (such as structural, functional, and spatial information, amino acid conservation, physicochemical variation, residue mobility, and thermodynamic stability) performed at Invitae indicates that this missense variant is not expected to disrupt UBR1 protein function with a negative predictive value of 80%. In summary, the available evidence is currently insufficient to determine the role of this variant in disease. Therefore, it has been classified as a Variant of Uncertain Significance.